The following is an entry in ClinVar:

ClinVar aggregate classification (germline): Benign/Likely benign. Review status: criteria provided, multiple submitters, no conflicts (2 of 4 stars). 15 submissions from 15 submitters: Benign (13); Likely benign (1). 1 of the submissions does not count toward it. Last evaluated 2026-02-03.

Conditions:
Classic or attenuated familial adenomatous polyposis. Identifiers: MedGen CN372698, MONDO:0021057.
Hereditary cancer-predisposing syndrome. Also called: Tumor predisposition; Hereditary neoplastic syndrome; Neoplastic Syndromes, Hereditary; Hereditary Cancer Syndrome. Identifiers: Orphanet 140162, MedGen C0027672, MeSH D009386, MONDO:0015356.
Familial adenomatous polyposis 1 (FAP1). Also called: FAMILIAL ADENOMATOUS POLYPOSIS 1, ATTENUATED; POLYPOSIS, ADENOMATOUS INTESTINAL. Identifiers: MedGen C2713442, MONDO:0021056, OMIM 175100. Disease mechanism: loss of function.

Allele frequency attached by ClinVar (database versions not stated): gnomAD exomes 0.00025 and 0.00051; ExAC 0.00066; 1000 Genomes Project 0.00220; ESP Exome Variant Server 0.00231; 1000 Genomes Project 30x 0.00234; gnomAD 0.00241 and 0.00255; TOPMed 0.00252.
gnomAD v4.1: 749 of 1,614,128 alleles (0.046%); highest among the groups gnomAD compares: African/African-American, 0.93%; 4 homozygotes.

Submissions (15):

Labcorp Genetics (formerly Invitae), Labcorp
Classification: Benign for Familial adenomatous polyposis 1. Last evaluated: 2026-02-03. Review status: criteria provided, single submitter. Criteria: Invitae Variant Classification Sherloc (09022015). Collection method: clinical testing. Allele origin: germline.

Institute for Biomarker Research, Medical Diagnostic Laboratories, L.L.C.
Classification: Benign for Hereditary cancer-predisposing syndrome. Last evaluated: 2025-06-16. Review status: criteria provided, single submitter. Criteria: ACMG Guidelines, 2015. Collection method: clinical testing. Allele origin: germline.
Comment: The synonymous variant NM_000038.6(APC):c.3264G>A (p.Lys1088=) has been reported to ClinVar as Benign with a status of (2 stars) criteria provided, multiple submitters, no conflicts (Variation ID 136409 as of 2025-06-05). The p.Lys1088= variant is not predicted to disrupt an existing splice site. The p.Lys1088= variant results in a substitution of a base that is not predicted conserved by GERP++ and PhyloP. For these reasons, this variant has been classified as Benign.

Quest Diagnostics Nichols Institute San Juan Capistrano
Classification: Benign. Last evaluated: 2025-06-13. Review status: criteria provided, single submitter. Criteria: Quest Diagnostics criteria. Collection method: clinical testing. Allele origin: unknown.

Center for Genomic Medicine, Rigshospitalet, Copenhagen University Hospital
Classification: Benign. Last evaluated: 2025-03-04. Review status: criteria provided, single submitter. Criteria: ACMG Guidelines, 2015. Collection method: clinical testing. Allele origin: germline.

Blueprint Genetics
Classification: Likely benign. Last evaluated: 2024-11-25. Review status: criteria provided, single submitter. Criteria: ACMG Guidelines, 2015. Collection method: clinical testing. Allele origin: germline.

Myriad Genetics, Inc.
Classification: Benign for Familial adenomatous polyposis 1. Last evaluated: 2024-03-18. Review status: criteria provided, single submitter. Criteria: Myriad Autosomal Dominant, Autosomal Recessive and X-Linked Classification Criteria (2023). Collection method: clinical testing. Allele origin: unknown.
Comment: This variant is considered benign. This variant is a silent/synonymous amino acid change and it is not expected to impact splicing.

ARUP Laboratories, Molecular Genetics and Genomics, ARUP Laboratories
Classification: Benign. Last evaluated: 2023-08-17. Review status: criteria provided, single submitter. Criteria: ARUP Molecular Germline Variant Investigation Process 2024. Collection method: clinical testing. Allele origin: germline.

Department of Pathology and Laboratory Medicine, Sinai Health System
Classification: Benign for classic or attenuated familial adenomatous polyposis. Last evaluated: 2023-06-08. Review status: criteria provided, single submitter. Criteria: ACMG Guidelines, 2015. Collection method: clinical testing. Allele origin: germline. Affected: yes.

Sema4
Classification: Benign for Hereditary cancer-predisposing syndrome. Last evaluated: 2020-08-17. Review status: criteria provided, single submitter. Criteria: Sema4 Curation Guidelines. Collection method: curation. Allele origin: germline.

PreventionGenetics, part of Exact Sciences
Classification: Benign. Last evaluated: 2016-07-20. Review status: criteria provided, single submitter. Criteria: ACMG Guidelines, 2015. Collection method: clinical testing. Allele origin: germline.

Color Diagnostics, LLC DBA Color Health
Classification: Benign for Hereditary cancer-predisposing syndrome. Last evaluated: 2016-04-19. Review status: criteria provided, single submitter. Criteria: ACMG Guidelines, 2015. Collection method: clinical testing. Allele origin: germline.

Women's Health and Genetics/Laboratory Corporation of America, LabCorp
Classification: Benign. Last evaluated: 2016-03-14. Review status: criteria provided, single submitter. Criteria: LabCorp Variant Classification Summary - May 2015. Collection method: clinical testing. Allele origin: germline.

Ambry Genetics
Classification: Benign for Hereditary cancer-predisposing syndrome. Last evaluated: 2015-07-16. Review status: criteria provided, single submitter. Criteria: Ambry Variant Classification Scheme 2023. Collection method: clinical testing. Allele origin: germline.

GeneDx
Classification: Benign. Last evaluated: 2014-03-10. Review status: criteria provided, single submitter. Criteria: GeneDx Variant Classification (06012015). Collection method: clinical testing. Allele origin: germline. Affected: yes.
Comment: This variant is considered likely benign or benign based on one or more of the following criteria: it is a conservative change, it occurs at a poorly conserved position in the protein, it is predicted to be benign by multiple in silico algorithms, and/or has population frequency not consistent with disease.

Mayo Clinic Laboratories, Mayo Clinic
Classification: Likely benign. Review status: no assertion criteria provided. Collection method: clinical testing. Allele origin: unknown. Not counted in ClinVar's aggregate classification.

NM_000038.6(APC):c.3264G>A (p.Lys1088=)

Gene: APC (APC regulator of Wnt signaling pathway; plus strand). Cytogenetic location: 5q22.2.
Variant type: single nucleotide variant.
Coding change: c.3264G>A on transcript NM_000038.6 (MANE Select); coding-DNA position 3264, G replaced by A.
Protein change: p.Lys1088=; no amino-acid change (lysine 1088 retained).
Molecular consequence: synonymous variant.
Genome position (GRCh38, 1-based): chr5:112,838,858, G>A. VCF-style: chr5-112838858-G-A. GRCh37 (hg19) VCF-style: chr5-112174555-G-A.
Other names: p.K1088K:AAG>AAA; c.3264G>A, p.Lys1088= (NM_001127510.3, NM_001354895.2); c.3210G>A, p.Lys1070= (NM_001127511.3); c.3318G>A, p.Lys1106= (NM_001354896.2); c.3294G>A, p.Lys1098= (NM_001354897.2); c.3189G>A, p.Lys1063= (NM_001354898.2); c.3180G>A, p.Lys1060= (NM_001354899.2); c.3141G>A, p.Lys1047= (NM_001354900.2); and 6 more.
Identifiers: ClinVar variation 136409 (VCV000136409.65), dbSNP rs114774495, ClinGen allele CA008217.
Genomic context (GRCh38, chr5:112,838,858, plus strand): 5'-AAGGAATCAAAGTACAACTTATCCTGTTTATACTGAGAGCACTGATGATAAACACCTCAA[G>A]TTCCAACCACATTTTGGACAGCAGGAATGTGTTTCTCCATACAGGTCACGGGGAGCCAAT-3'
Protein context (NP_000029.2, residues 1078-1098): YTESTDDKHL[Lys1088=]FQPHFGQQEC